The following is an entry in ClinVar:

NM_020778.5(ALPK3):c.3439G>T (p.Ala1147Ser)

Gene: ALPK3 (alpha kinase 3; plus strand). Cytogenetic location: 15q25.3.
Variant type: single nucleotide variant.
Coding change: c.3439G>T on transcript NM_020778.5 (MANE Select); coding-DNA position 3439, G replaced by T.
Protein change: p.Ala1147Ser; replaces alanine 1147 with serine.
Molecular consequence: missense variant.
Genome position (GRCh38, 1-based): chr15:84,858,177, G>T. VCF-style: chr15-84858177-G-T. GRCh37 (hg19) VCF-style: chr15-85401408-G-T.
Other names: short protein forms A1147S.
Identifiers: ClinVar variation 3622842 (VCV003622842.2).

ClinVar aggregate classification (germline): Uncertain significance (1 of 4 stars; one submission).

Submission:

Labcorp Genetics (formerly Invitae), Labcorp
Classification: Uncertain significance. Last evaluated: 2024-09-06. Review status: criteria provided, single submitter. Criteria: Invitae Variant Classification Sherloc (09022015). Collection method: clinical testing. Allele origin: germline.
Comment: This sequence change replaces alanine, which is neutral and non-polar, with serine, which is neutral and polar, at codon 1349 of the ALPK3 protein (p.Ala1349Ser). This variant is not present in population databases (gnomAD no frequency). This variant has not been reported in the literature in individuals affected with ALPK3-related conditions. An algorithm developed to predict the effect of missense changes on protein structure and function (PolyPhen-2) suggests that this variant is likely to be disruptive. In summary, the available evidence is currently insufficient to determine the role of this variant in disease. Therefore, it has been classified as a Variant of Uncertain Significance.